The following is an entry in ClinVar:

NM_002890.3(RASA1):c.954G>A (p.Met318Ile)

Genes: CCNH (cyclin H; minus strand), RASA1 (RAS p21 protein activator 1; plus strand). Cytogenetic location: 5q14.3.
Variant type: single nucleotide variant.
Coding change: c.954G>A on transcript NM_002890.3 (MANE Select); coding-DNA position 954, G replaced by A.
Protein change: p.Met318Ile; replaces methionine 318 with isoleucine.
Molecular consequence: missense variant. On other transcripts: intron variant (1).
Genome position (GRCh38, 1-based): chr5:87,338,028, G>A. VCF-style: chr5-87338028-G-A. GRCh37 (hg19) VCF-style: chr5-86633845-G-A.
Other names: c.423G>A, p.Met141Ile (NM_022650.3); c.934-25233C>T (NM_001364075.2); short protein forms M141I, M318I.
Identifiers: ClinVar variation 1767351 (VCV001767351.2), dbSNP rs750646686, ClinGen allele CA3335609.
Genomic context (GRCh38, chr5:87,338,028, plus strand): 5'-TTTCAGTTTCTTAAAAGGAGATATGTTCATTGTTCATAATGAATTAGAAGATGGATGGAT[G>A]TGGGTTACAAATTTAAGAACAGATGAACAAGGCCTTATTGTTGAAGACCTAGTAGAAGAG-3'
Protein context (NP_002881.1, residues 308-328): IVHNELEDGW[Met318Ile]WVTNLRTDEQ

ClinVar aggregate classification (germline): Uncertain significance (1 of 4 stars; one submission).

Conditions:
Cardiovascular phenotype. Identifiers: MedGen CN230736.

Allele frequency attached by ClinVar (database versions not stated): gnomAD exomes below 0.00001; ExAC 0.00002; TOPMed below 0.00001.
gnomAD v4.1: 6 of 1,612,160 alleles (0.00037%); highest among the groups gnomAD compares: Non-Finnish European, 0.00051%; no homozygotes.

Submission:

Ambry Genetics
Classification: Uncertain significance for Cardiovascular phenotype. Last evaluated: 2022-07-23. Review status: criteria provided, single submitter. Criteria: Ambry Variant Classification Scheme 2023. Collection method: clinical testing. Allele origin: germline.
Comment: The p.M318I variant (also known as c.954G>A), located in coding exon 5 of the RASA1 gene, results from a G to A substitution at nucleotide position 954. The methionine at codon 318 is replaced by isoleucine, an amino acid with highly similar properties. This amino acid position is conserved. In addition, this alteration is predicted to be tolerated by in silico analysis. Since supporting evidence is limited at this time, the clinical significance of this alteration remains unclear.